The following is an entry in ClinVar:

NM_003839.4(TNFRSF11A):c.29C>T (p.Pro10Leu)

Genes: TNFRSF11A (TNF receptor superfamily member 11a; plus strand), LOC130062628 (ATAC-STARR-seq lymphoblastoid silent region 9505; plus strand). Cytogenetic location: 18q21.33.
Variant type: single nucleotide variant.
Coding change: c.29C>T on transcript NM_003839.4 (MANE Select); coding-DNA position 29, C replaced by T.
Protein change: p.Pro10Leu; replaces proline 10 with leucine.
Molecular consequence: missense variant.
Genome position (GRCh38, 1-based): chr18:62,325,381, C>T. VCF-style: chr18-62325381-C-T. GRCh37 (hg19) VCF-style: chr18-59992614-C-T.
Other names: c.29C>T, p.Pro10Leu (NM_001270949.2, NM_001270950.2, NM_001270951.2 and 1 more transcripts); short protein forms P10L.
Identifiers: ClinVar variation 327724 (VCV000327724.12), dbSNP rs886054082, ClinGen allele CA10648055.

ClinVar aggregate classification (germline): Uncertain significance. Review status: criteria provided, multiple submitters, no conflicts (2 of 4 stars). 4 submissions from 3 submitters: Uncertain significance (3). 1 of the submissions does not count toward it. Last evaluated 2026-01-28.

Conditions:
TNFRSF11A-related disorder. Also called: TNFRSF11A-related condition.
Autosomal recessive osteopetrosis 7. Identifiers: Orphanet 178389, MedGen C2676766, MONDO:0012859, OMIM 612301.
Paget disease of bone 2, early-onset (PDB2). Also called: Paget disease of bone 2. Identifiers: MedGen C4085251, MONDO:0011183, OMIM 602080.

Allele frequency attached by ClinVar (database versions not stated): gnomAD exomes 0.00039; gnomAD 0.00068 and 0.00070; TOPMed 0.00068.
gnomAD v4.1: 1,409 of 1,087,696 alleles (0.13%); highest among the groups gnomAD compares: Non-Finnish European, 0.15%; 1 homozygote.

Submissions (4):

Labcorp Genetics (formerly Invitae), Labcorp
Classification: Uncertain significance. Last evaluated: 2026-01-28. Review status: criteria provided, single submitter. Criteria: Invitae Variant Classification Sherloc (09022015). Collection method: clinical testing. Allele origin: germline.
Comment: This sequence change replaces proline, which is neutral and non-polar, with leucine, which is neutral and non-polar, at codon 10 of the TNFRSF11A protein (p.Pro10Leu). This variant is present in population databases (no rsID available, gnomAD 0.1%), and has an allele count higher than expected for a pathogenic variant. This variant has not been reported in the literature in individuals affected with TNFRSF11A-related conditions. ClinVar contains an entry for this variant (Variation ID: 327724). An algorithm developed to predict the effect of missense changes on protein structure and function outputs the following: PolyPhen-2: "Not Available". The leucine amino acid residue is found in multiple mammalian species, which suggests that this missense change does not adversely affect protein function. In summary, the available evidence is currently insufficient to determine the role of this variant in disease. Therefore, it has been classified as a Variant of Uncertain Significance.

Illumina Laboratory Services, Illumina
Classification: Uncertain significance for Autosomal recessive osteopetrosis 7. Last evaluated: 2018-01-13. Review status: criteria provided, single submitter. Criteria: ICSL Variant Classification Criteria 13 December 2019. Collection method: clinical testing. Allele origin: germline.

Illumina Laboratory Services, Illumina
Classification: Uncertain significance for Paget disease of bone 2, early-onset. Last evaluated: 2018-01-13. Review status: criteria provided, single submitter. Criteria: ICSL Variant Classification Criteria 13 December 2019. Collection method: clinical testing. Allele origin: germline.

PreventionGenetics, part of Exact Sciences
Classification: Uncertain significance for TNFRSF11A-related condition. Last evaluated: 2024-08-29. Review status: no assertion criteria provided. Collection method: clinical testing. Allele origin: germline. Not counted in ClinVar's aggregate classification.
Comment: The TNFRSF11A c.29C>T variant is predicted to result in the amino acid substitution p.Pro10Leu. To our knowledge, this variant has not been reported in the literature. This variant is reported in 0.12% of alleles in individuals of European (Non-Finnish) descent in gnomAD. At this time, the clinical significance of this variant is uncertain due to the absence of conclusive functional and genetic evidence.